The following is an entry in ClinVar:

ClinVar aggregate classification (germline): Uncertain significance (1 of 4 stars; one submission).

Allele frequency attached by ClinVar (database versions not stated): gnomAD exomes below 0.00001.
gnomAD v4.1: 4 of 1,613,864 alleles (0.00025%); highest among the groups gnomAD compares: South Asian, 0.0011%; no homozygotes.

Submission:

Labcorp Genetics (formerly Invitae), Labcorp
Classification: Uncertain significance. Last evaluated: 2024-10-22. Review status: criteria provided, single submitter. Criteria: Invitae Variant Classification Sherloc (09022015). Collection method: clinical testing. Allele origin: germline.
Comment: This sequence change falls in intron 2 of the CLRN1 gene. It does not directly change the encoded amino acid sequence of the CLRN1 protein. It affects a nucleotide within the consensus splice site. This variant is present in population databases (no rsID available, gnomAD 0.003%). This variant has not been reported in the literature in individuals affected with CLRN1-related conditions. ClinVar contains an entry for this variant (Variation ID: 2163686). Variants that disrupt the consensus splice site are a relatively common cause of aberrant splicing (PMID: 17576681, 9536098). Algorithms developed to predict the effect of sequence changes on RNA splicing suggest that this variant is not likely to affect RNA splicing. In summary, the available evidence is currently insufficient to determine the role of this variant in disease. Therefore, it has been classified as a Variant of Uncertain Significance.

Literature cited by the submitters: PubMed 17576681; PubMed 9536098.

NM_174878.3(CLRN1):c.433+3A>G

Gene: CLRN1 (clarin 1; minus strand). Cytogenetic location: 3q25.1.
Variant type: single nucleotide variant.
Coding change: c.433+3A>G on transcript NM_174878.3 (MANE Select); 3 bases into the intron after coding-DNA position 433, A replaced by G.
Molecular consequence: intron variant.
Genome position (GRCh38, 1-based): chr3:150,941,579, T>C on the plus strand (A>G on the coding strand, the complement: CLRN1 is on the minus strand). VCF-style: chr3-150941579-T-C. GRCh37 (hg19) VCF-style: chr3-150659366-T-C.
Other names: c.205+3A>G (NM_052995.2); c.433+3A>G (NM_001195794.1); c.*47+3A>G (NM_001256819.2).
Identifiers: ClinVar variation 2163686 (VCV002163686.2), dbSNP rs1237832623, ClinGen allele CA547366948.